The following is an entry in ClinVar:

ClinVar aggregate classification (germline): Uncertain significance (1 of 4 stars; one submission).

Conditions:
Hearing loss, autosomal recessive 117. Also called: DEAFNESS, AUTOSOMAL RECESSIVE 117. Identifiers: MedGen C5436937, MONDO:0030905, OMIM 619174.

gnomAD v4.1: 183 of 1,613,896 alleles (0.011%); highest among the groups gnomAD compares: African/African-American, 0.048%; 1 homozygote.

Submission:

Juno Genomics, Hangzhou Juno Genomics, Inc
Classification: Uncertain significance for Hearing loss, autosomal recessive 117. Review status: criteria provided, single submitter. Criteria: ACMG Guidelines, 2015. Collection method: clinical testing. Allele origin: germline.
Comment: Absent from controls (or at extremely low frequency if recessive) in Genome Aggregation Database.

NM_001079827.2(CLRN2):c.214C>T (p.Arg72Trp)

Gene: CLRN2 (clarin 2; plus strand). Cytogenetic location: 4p15.32.
Variant type: single nucleotide variant.
Coding change: c.214C>T on transcript NM_001079827.2 (MANE Select); coding-DNA position 214, C replaced by T.
Protein change: p.Arg72Trp; replaces arginine 72 with tryptophan.
Molecular consequence: missense variant.
Genome position (GRCh38, 1-based): chr4:17,515,480, C>T. VCF-style: chr4-17515480-C-T. GRCh37 (hg19) VCF-style: chr4-17517103-C-T.
Other names: short protein forms R72W.
Identifiers: ClinVar variation 5006753 (VCV005006753.2).